The following is an entry in ClinVar:

ClinVar aggregate classification (germline): Uncertain significance (1 of 4 stars; one submission).

Submission:

Labcorp Genetics (formerly Invitae), Labcorp
Classification: Uncertain significance. Last evaluated: 2025-02-27. Review status: criteria provided, single submitter. Criteria: Invitae Variant Classification Sherloc (09022015). Collection method: clinical testing. Allele origin: germline.
Comment: This sequence change replaces alanine, which is neutral and non-polar, with valine, which is neutral and non-polar, at codon 649 of the RNF31 protein (p.Ala649Val). This variant is not present in population databases (gnomAD no frequency). This variant has not been reported in the literature in individuals affected with RNF31-related conditions. An algorithm developed to predict the effect of missense changes on protein structure and function (PolyPhen-2) suggests that this variant is likely to be disruptive. In summary, the available evidence is currently insufficient to determine the role of this variant in disease. Therefore, it has been classified as a Variant of Uncertain Significance.

NM_017999.5(RNF31):c.1946C>T (p.Ala649Val)

Gene: RNF31 (ring finger protein 31; plus strand). Cytogenetic location: 14q12.
Variant type: single nucleotide variant.
Coding change: c.1946C>T on transcript NM_017999.5 (MANE Select); coding-DNA position 1946, C replaced by T.
Protein change: p.Ala649Val; replaces alanine 649 with valine.
Molecular consequence: missense variant.
Genome position (GRCh38, 1-based): chr14:24,151,808, C>T. VCF-style: chr14-24151808-C-T. GRCh37 (hg19) VCF-style: chr14-24621017-C-T.
Other names: c.1493C>T, p.Ala498Val (NM_001310332.2); short protein forms A649V, A498V.
Identifiers: ClinVar variation 4713642 (VCV004713642.1).
Genomic context (GRCh38, chr14:24,151,808, plus strand): 5'-TGACAGCACTTCCCCCCTCCACCTGAATCATATTGCAGAGCCTGGTCAGGCGGCTTTTGG[C>T]AGTCTACGCACTCCCCAGCTGGGGCCGGGCAGAGCTGGCACTGTCACTGCTGCAGGAGAC-3'
Protein context (NP_060469.4, residues 639-659): DKQSLVRRLL[Ala649Val]VYALPSWGRA